The following is an entry in ClinVar:

ClinVar aggregate classification (germline): Uncertain significance (1 of 4 stars; one submission).

Conditions:
Camptomelic dysplasia (CMPD). Also called: Campomelic Dysplasia; CMPD1/SRA1. Identifiers: Orphanet 140, MedGen C1861922, MONDO:0007251, OMIM 114290.

Submission:

Labcorp Genetics (formerly Invitae), Labcorp
Classification: Uncertain significance for Camptomelic dysplasia. Last evaluated: 2024-01-27. Review status: criteria provided, single submitter. Criteria: Invitae Variant Classification Sherloc (09022015). Collection method: clinical testing. Allele origin: germline.
Comment: This sequence change replaces alanine, which is neutral and non-polar, with threonine, which is neutral and polar, at codon 116 of the SOX9 protein (p.Ala116Thr). This variant is not present in population databases (gnomAD no frequency). This variant has not been reported in the literature in individuals affected with SOX9-related conditions. Advanced modeling of protein sequence and biophysical properties (such as structural, functional, and spatial information, amino acid conservation, physicochemical variation, residue mobility, and thermodynamic stability) performed at Invitae indicates that this missense variant is expected to disrupt SOX9 protein function with a positive predictive value of 80%. In summary, the available evidence is currently insufficient to determine the role of this variant in disease. Therefore, it has been classified as a Variant of Uncertain Significance.

NM_000346.4(SOX9):c.346G>A (p.Ala116Thr)

Genes: SOX9 (SRY-box transcription factor 9; plus strand), LOC108021846 (SOX9 promoter region; plus strand). Cytogenetic location: 17q24.3.
Variant type: single nucleotide variant.
Coding change: c.346G>A on transcript NM_000346.4 (MANE Select); coding-DNA position 346, G replaced by A.
Protein change: p.Ala116Thr; replaces alanine 116 with threonine.
Molecular consequence: missense variant.
Genome position (GRCh38, 1-based): chr17:72,121,737, G>A. VCF-style: chr17-72121737-G-A. GRCh37 (hg19) VCF-style: chr17-70117878-G-A.
Other names: short protein forms A116T.
Identifiers: ClinVar variation 2694225 (VCV002694225.3), dbSNP rs2143240201, ClinGen allele CA400866068.